The following is an entry in ClinVar:

ClinVar aggregate classification (germline): Uncertain significance (1 of 4 stars; one submission).

Conditions:
Familial cancer of breast. Also called: BREAST CANCER, FAMILIAL; hereditary breast carcinoma; Hereditary breast cancer. Identifiers: Orphanet 227535, MedGen C0346153, MONDO:0016419, OMIM 114480. Disease mechanism: loss of function.

Submission:

Labcorp Genetics (formerly Invitae), Labcorp
Classification: Uncertain significance for Familial cancer of breast. Last evaluated: 2023-08-22. Review status: criteria provided, single submitter. Criteria: Invitae Variant Classification Sherloc (09022015). Collection method: clinical testing. Allele origin: germline.
Comment: In summary, the available evidence is currently insufficient to determine the role of this variant in disease. Therefore, it has been classified as a Variant of Uncertain Significance. Algorithms developed to predict the effect of missense changes on protein structure and function output the following: SIFT: "Not Available"; PolyPhen-2: "Benign"; Align-GVGD: "Not Available". The alanine amino acid residue is found in multiple mammalian species, which suggests that this missense change does not adversely affect protein function. This variant has not been reported in the literature in individuals affected with PALB2-related conditions. This variant is not present in population databases (gnomAD no frequency). This sequence change replaces proline, which is neutral and non-polar, with alanine, which is neutral and non-polar, at codon 104 of the PALB2 protein (p.Pro104Ala).

NM_024675.4(PALB2):c.310C>G (p.Pro104Ala)

Gene: PALB2 (partner and localizer of BRCA2; minus strand). Cytogenetic location: 16p12.2.
Variant type: single nucleotide variant.
Coding change: c.310C>G on transcript NM_024675.4 (MANE Select); coding-DNA position 310, C replaced by G.
Protein change: p.Pro104Ala; replaces proline 104 with alanine.
Molecular consequence: missense variant. On other transcripts: 5 prime UTR variant (8), intron variant (3).
Genome position (GRCh38, 1-based): chr16:23,636,236, G>C on the plus strand (C>G on the coding strand, the complement: PALB2 is on the minus strand). VCF-style: chr16-23636236-G-C. GRCh37 (hg19) VCF-style: chr16-23647557-G-C.
Other names: c.250C>G, p.Pro84Ala (NM_001407296.1); c.310C>G, p.Pro104Ala (NM_001407297.1, NM_001407298.1, NM_001407299.1 and 3 more transcripts); c.-576C>G (NM_001407304.1, NM_001407305.1, NM_001407306.1 and 5 more transcripts); c.48+4874C>G (NM_001407314.1); c.-105+4874C>G (NM_001407313.1, NM_001407312.1); short protein forms P84A, P104A.
Identifiers: ClinVar variation 2754368 (VCV002754368.3), dbSNP rs1967055763, ClinGen allele CA395138785.